The following is an entry in ClinVar:

NM_021008.4(DEAF1):c.411C>T (p.Ile137=)

Gene: DEAF1 (DEAF1 transcription factor; minus strand). Cytogenetic location: 11p15.5.
Variant type: single nucleotide variant.
Coding change: c.411C>T on transcript NM_021008.4 (MANE Select); coding-DNA position 411, C replaced by T.
Protein change: p.Ile137=; no amino-acid change (isoleucine 137 retained).
Molecular consequence: synonymous variant. On other transcripts: 5 prime UTR variant (1).
Genome position (GRCh38, 1-based): chr11:688,437, G>A on the plus strand (C>T on the coding strand, the complement: DEAF1 is on the minus strand). VCF-style: chr11-688437-G-A. GRCh37 (hg19) VCF-style: chr11-688437-G-A.
Other names: c.411C>T, p.Ile137= (NM_001293634.2); c.-316C>T (NM_001367390.1).
Identifiers: ClinVar variation 1694579 (VCV001694579.37), dbSNP rs373131091, ClinGen allele CA5786551.

ClinVar aggregate classification (germline): Likely benign. Review status: criteria provided, multiple submitters, no conflicts (2 of 4 stars). 3 submissions from 3 submitters: Likely benign (3). Last evaluated 2025-09-29.

Allele frequency attached by ClinVar (database versions not stated): TOPMed 0.00002; gnomAD 0.00003; gnomAD exomes 0.00003; ExAC 0.00004; ESP Exome Variant Server 0.00008.
gnomAD v4.1: 49 of 1,613,594 alleles (0.003%); highest among the groups gnomAD compares: Middle Eastern, 0.016%; 1 homozygote.

Submissions (3):

Labcorp Genetics (formerly Invitae), Labcorp
Classification: Likely benign. Last evaluated: 2025-09-29. Review status: criteria provided, single submitter. Criteria: Invitae Variant Classification Sherloc (09022015). Collection method: clinical testing. Allele origin: germline.

ARUP Laboratories, Molecular Genetics and Genomics, ARUP Laboratories
Classification: Likely benign. Last evaluated: 2023-12-21. Review status: criteria provided, single submitter. Criteria: ARUP Molecular Germline Variant Investigation Process 2024. Collection method: clinical testing. Allele origin: germline.

CeGaT Center for Human Genetics Tuebingen
Classification: Likely benign. Last evaluated: 2022-06-01. Review status: criteria provided, single submitter. Criteria: CeGaT Center For Human Genetics Tuebingen Variant Classification Criteria Version 2. Collection method: clinical testing. Allele origin: germline. Affected: yes. Observed: 1 variant allele.
Comment: DEAF1: BP4, BP7